The following is an entry in ClinVar:

NM_004364.5(CEBPA):c.324C>G (p.Tyr108Ter)

Gene: CEBPA (CCAAT enhancer binding protein alpha; minus strand). Cytogenetic location: 19q13.11.
Variant type: single nucleotide variant.
Coding change: c.324C>G on transcript NM_004364.5 (MANE Select); coding-DNA position 324, C replaced by G.
Protein change: p.Tyr108Ter; replaces tyrosine 108 with a stop codon.
Molecular consequence: nonsense. On other transcripts: 5 prime UTR variant (1).
Genome position (GRCh38, 1-based): chr19:33,302,091, G>C on the plus strand (C>G on the coding strand, the complement: CEBPA is on the minus strand). VCF-style: chr19-33302091-G-C. GRCh37 (hg19) VCF-style: chr19-33792997-G-C.
Other names: c.-34C>G (NM_001285829.2); c.429C>G, p.Tyr143Ter (NM_001287424.2); c.282C>G, p.Tyr94Ter (NM_001287435.2); short protein forms Y94*, Y143*, Y108*.
Identifiers: ClinVar variation 938430 (VCV000938430.14), dbSNP rs1555742221, ClinGen allele CA405275184.

ClinVar aggregate classification (germline): Pathogenic/Likely pathogenic. Review status: criteria provided, multiple submitters, no conflicts (2 of 4 stars). 2 submissions from 2 submitters: Pathogenic (1); Likely pathogenic (1). Last evaluated 2022-05-12.

Conditions:
Acute myeloid leukemia (AML). Also called: Acute myeloid leukemia, adult; AML adult; Acute non-lymphocytic leukemia; Acute granulocytic leukemia; Leukemia, acute myelogenous, somatic; Leukemia, acute myeloid, somatic. Identifiers: Orphanet 519, MedGen C0023467, MeSH D015470, MONDO:0018874, OMIM 601626, HP:0004808. Disease mechanism: Constitutively activated FLT3.

Submissions (2):

St. Jude Molecular Pathology, St. Jude Children's Research Hospital
Classification: Likely pathogenic for Acute myeloid leukemia. Last evaluated: 2022-05-12. Review status: criteria provided, single submitter. Criteria: St. Jude Assertion Criteria 2020. Collection method: clinical testing. Allele origin: germline. Affected: yes.
Comment: The CEPBA c.324C>G (p.Tyr108Ter) change is a nonsense variant located in the CEBPA region encoding the N-terminal C/EBPα protein, which is predicted to produce a truncated protein (PVS1_strong; PMID: 30192042). This variant is absent in gnomAD v2.1.1 (PM2_supporting). In summary, this variant meets criteria to be classified as likely pathogenic based on the ACMG/AMP criteria applied: PVS1_strong, PM2_supporting, PP4.

Labcorp Genetics (formerly Invitae), Labcorp
Classification: Pathogenic for Acute myeloid leukemia. Last evaluated: 2020-02-26. Review status: criteria provided, single submitter. Criteria: Invitae Variant Classification Sherloc (09022015). Collection method: clinical testing. Allele origin: germline.
Comment: This sequence change results in a premature translational stop signal in the CEBPA gene (p.Tyr108*). While this is not anticipated to result in nonsense mediated decay, it is expected to disrupt the last 251 amino acids of the CEBPA protein. The frequency data for this variant in the population databases is considered unreliable, as metrics indicate insufficient coverage at this position in the ExAC database. This variant has not been reported in the literature in individuals with CEBPA-related conditions. This variant disrupts the C-terminus of the CEBPA protein. Other variant(s) that disrupt this region (p.Glu148*) have been determined to be pathogenic (PMID: 29296967). This suggests that variants that disrupt this region of the protein are likely to be causative of disease. For these reasons, this variant has been classified as Pathogenic.

Literature cited by the submitters: PubMed 29296967 (cited by Labcorp Genetics (formerly Invitae), Labcorp).